The following is an entry in ClinVar:

ClinVar aggregate classification (germline): Pathogenic. Review status: criteria provided, multiple submitters, no conflicts (2 of 4 stars). 6 submissions from 6 submitters: Pathogenic (5). 1 of the submissions does not count toward it. Last evaluated 2025-11-27.

Conditions:
Mitochondrial complex I deficiency, nuclear type 31. Also called: Mitochondrial complex 1 deficiency, nuclear type 31. Identifiers: MedGen C4748838, MONDO:0032634, OMIM 618251.

Allele frequency attached by ClinVar (database versions not stated): gnomAD 0.00011; TOPMed 0.00005.
gnomAD v4.1: 16 of 152,220 alleles (0.011%); highest among the groups gnomAD compares: Non-Finnish European, 0.021%; no homozygotes.

Submissions (6):

Labcorp Genetics (formerly Invitae), Labcorp
Classification: Pathogenic. Last evaluated: 2025-11-27. Review status: criteria provided, single submitter. Criteria: Invitae Variant Classification Sherloc (09022015). Collection method: clinical testing. Allele origin: germline.
Comment: This sequence change falls in intron 5 of the TIMMDC1 gene. It does not directly change the encoded amino acid sequence of the TIMMDC1 protein. RNA analysis indicates that this variant induces altered splicing and may result in an absent or altered protein product. This variant is present in population databases (rs781525096, gnomAD 0.02%). This variant has been observed in individuals with mitochondrial complex I deficiency (PMID: 28604674, 33278652, 35091571). It has also been observed to segregate with disease in related individuals. This variant is also known as c.596+2146A>G. ClinVar contains an entry for this variant (Variation ID: 429020). Studies have shown that this variant results in activation of a cryptic splice site, and produces a non-functional protein and/or introduces a premature termination codon (PMID: 28604674). For these reasons, this variant has been classified as Pathogenic.

Dasa
Classification: Pathogenic. Last evaluated: 2025-10-16. Review status: criteria provided, single submitter. Criteria: DASA Assertion Criteria. Collection method: clinical testing. Allele origin: germline.
Comment: NM_016589.4(TIMMDC1):c.597-1340A>G introduces a premature termination codon predicted to result in loss of normal protein function. Loss-of-function is an established mechanism of disease for this gene. Segregation evidence has been reported in affected families. This variant has been observed in affected individuals with related phenotype in a genotype context consistent with recessive disease (PMID: 35091571; PMID: 33852835; PMID: 28604674; PMID: 35379322). Functional evidence supports a deleterious effect on the gene or gene product (PMID: 35091571; PMID: 33852835; PMID: 28604674; PMID: 35379322). This variant has been recurrently observed in individuals with related phenotype (PMID: 35091571; PMID: 33852835; PMID: 28604674; PMID: 35379322). The variant is present at low frequency in population datasets. Based on the available data, this variant is classified as pathogenic.

Department of Pathology and Laboratory Medicine, Sinai Health System
Classification: Pathogenic for Mitochondrial complex I deficiency, nuclear type 31. Last evaluated: 2023-01-24. Review status: criteria provided, single submitter. Criteria: ACMG Guidelines, 2015. Collection method: research. Allele origin: germline.

Women's Health and Genetics/Laboratory Corporation of America, LabCorp
Classification: Pathogenic for Mitochondrial complex I deficiency, nuclear type 31. Last evaluated: 2022-05-09. Review status: criteria provided, single submitter. Criteria: LabCorp Variant Classification Summary - May 2015. Collection method: clinical testing. Allele origin: germline.
Comment: Variant summary: TIMMDC1 (legacy name C3orf1) c.597-1340A>G is located at a deep intronic position not widely known to affect splicing. 4/4 computational tools predict no significant impact on normal splicing at the canonical splice sites. However, at least one publication reports RNA sequencing studies that this variant results in the insertion of a poison exon that introduces a frameshift leading to a premature stop codon p.Gly199_Thr200ins5* and thus nonsense mediated decay (NMD) of the aberrant transcript in patient cells (example, Kramer_2017). The variant allele was found at a frequency of 9.6e-05 in 31386 control chromosomes. c.597-1340A>G has been reported in the literature as c.596 + 2146A >G in homozygous and compound heterozygous genotypes in multiple affected individuals from families affected with Mitochondrial Complex 1 Deficiency, Nuclear Type 31 (example, Kremer_2017, Naber_2021, Kumar_2022). These data indicate that the variant is very likely to be associated with disease. One clinical diagnostic laboratory and the OMIM database have submitted clinical-significance assessments for this variant to ClinVar after 2014. Both submitters classified the variant as pathogenic citing overlapping but not all inclusive evidence utilized in the context of this evaluation. Based on the evidence outlined above, the variant was classified as pathogenic.

Illumina Laboratory Services, Illumina
Classification: Pathogenic for Mitochondrial complex I deficiency, nuclear type 31. Last evaluated: 2020-02-25. Review status: criteria provided, single submitter. Criteria: ICSLVariantClassificationCriteria RUGD 01 April 2020. Collection method: clinical testing. Allele origin: unknown.
Comment: The TIMMDC1 c.597-1340A>G variant is a deep intronic variant that has been reported in a homozygous state as c.596+2146A>G in five individuals with mitochondrial complex I deficiency (Kremer et al. 2017). These individuals were from three unrelated families of differing ethnicities. The variant was shown to result in a TIMMDC1 isoform with a new exon insertion in intron 5 that introduces a frameshift and premature stop codon. Patient fibroblasts showed no detectable protein expression and impaired complex I assembly, which could be at least partially restored by expression of wildtype TIMMDC1. In addition to deficient complex I activity in muscle, the affected individuals showed developmental delay, failure to thrive, hypotonia, muscle wasting, dyskinetic movements, cerebellar signs, and peripheral neuropathy. Some individuals showed abnormalities on brain MRI, and one developed acute episodes with abnormal eye movements, myoclonus, and loss of consciousness. The c.597-1340A>G variant is reported at a frequency of 0.000195 in the European (non-Finnish) population of the Genome Aggregation Database in a region of good sequence coverage, indicating it is rare. Based on the collective evidence, the c.597-1340A>G variant is classified as pathogenic for TIMMDC1-related mitochondrial complex I deficiency.

OMIM
Classification: Pathogenic for MITOCHONDRIAL COMPLEX I DEFICIENCY, NUCLEAR TYPE 31. Last evaluated: 2024-01-26. Review status: no assertion criteria provided. Collection method: literature only. Allele origin: germline. Not counted in ClinVar's aggregate classification.

Literature cited by the submitters: PubMed 28604674 (cited by 5 submitters); PubMed 33278652 (cited by Labcorp Genetics (formerly Invitae), Labcorp and Women's Health and Genetics/Laboratory Corporation of America, LabCorp); PubMed 35091571 (cited by 3 submitters); PubMed 33852835 (cited by Dasa); PubMed 35379322 (cited by Dasa); PubMed 33586140 (cited by Women's Health and Genetics/Laboratory Corporation of America, LabCorp).

NM_016589.4(TIMMDC1):c.597-1340A>G

Gene: TIMMDC1 (translocase of inner mitochondrial membrane domain containing 1; plus strand). Cytogenetic location: 3q13.33.
Variant type: single nucleotide variant.
Coding change: c.597-1340A>G on transcript NM_016589.4 (MANE Select); 1340 bases into the intron before coding-DNA position 597, A replaced by G.
Molecular consequence: intron variant.
Genome position (GRCh38, 1-based): chr3:119,515,865, A>G. VCF-style: chr3-119515865-A-G. GRCh37 (hg19) VCF-style: chr3-119234712-A-G.
Other names: 596+2146A-G.
Identifiers: ClinVar variation 429020 (VCV000429020.13), dbSNP rs781525096, ClinGen allele CA81698551.
Genomic context (GRCh38, chr3:119,515,865, plus strand): 5'-AAGGTGGTTGTAAATGTTGATAAGCTAGTTCTGTCAGTTCTTCTGTTTTTATTAGTTGGT[A>G]TTTGTCTGACTAGAAGAGTGCTACCTTCGTCCTCCACCTGTTCACCCCTTTGTCTACCTC-3'